The following is an entry in ClinVar:

NM_001130987.2(DYSF):c.1273_1276+5dup

Gene: DYSF (dysferlin; plus strand). Cytogenetic location: 2p13.2.
Variant type: Duplication.
Coding change: c.1273_1276+5dup on transcript NM_001130987.2 (MANE Select); coding-DNA position 1273 through 5 bases into the intron after coding-DNA position 1276, 9 bases duplicated (CAGAGTGCG; older notation c.1273_1276+5dupCAGAGTGCG).
Molecular consequence: splice donor variant.
Genome position (GRCh38, 1-based): chr2:71,526,343-71,526,351, CAGAGTGCG duplicated; duplicating any 9 consecutive bases within chr2:71,526,341-71,526,351 gives the same sequence; the c. name uses the placement nearest the transcript's 3' end. VCF-style (leftmost placement, unchanged base first): chr2-71526340-C-CCGCAGAGTG. GRCh37 (hg19) VCF-style: chr2-71753470-C-CCGCAGAGTG.
Other names: c.1270_1273+5dup (NM_001130979.2, NM_001130981.2, NM_001130980.2); c.1177_1180+5dup (NM_001130978.2, NM_003494.4, NM_001130977.2 and 1 more transcripts); c.1273_1276+5dup (NM_001130982.2, NM_001130985.2); c.1180_1183+5dup (NM_001130983.2, NM_001130455.2, NM_001130984.2 and 1 more transcripts).
Identifiers: ClinVar variation 4879976 (VCV004879976.1).
Genomic context (GRCh38, chr2:71,526,340, plus strand): 5'-ACAGGCGTAGCCCTGCGAGGAGCCCACTTCTGCCTGAAGGTCTTCCGGGCCGAGGACTTG[C>CCGCAGAGTG]CGCAGAGTGCGTGGGGCGCGCCCTTGGGTGGGAGGTCTGCAGGAGGCTGGAGGCGCAGGG-3'

ClinVar aggregate classification (germline): Uncertain significance (1 of 4 stars; one submission).

Conditions:
Miyoshi muscular dystrophy 1 (MMD1). Identifiers: Orphanet 45448, MedGen C4551973, MONDO:0024545, OMIM 254130.

Submission:

Foundation for Research in Genetics and Endocrinology, FRIGE's Institute of Human Genetics
Classification: Uncertain significance for Miyoshi muscular dystrophy 1. Last evaluated: 2026-06-12. Review status: criteria provided, single submitter. Criteria: ACMG Guidelines, 2015. Collection method: clinical testing. Allele origin: germline. Inheritance: Autosomal recessive inheritance. Affected: yes. Observed: 1 variant allele, 1 homozygote.
Comment: A homozygous 9 base pair insertion/duplication in exon 13 – Intron 13 boundary of the DYSF gene (chr2:g.71526343_71526351dup) was detected. The observed variant lies in the "C2 domain" of the DYSF protein (PF00168). The variant has not been reported in the 1000 genomes, gnomAD (v3.1), gnomAD (v2.1) and topmed databases. The reference region is conserved across species. In summary, the variant meets our criteria to be classified as variant of uncertain significance.